The following is an entry in ClinVar:

NM_001363644.2(TBCEL):c.436A>T (p.Ile146Leu)

Genes: TBCEL (tubulin folding cofactor E like; plus strand), TBCEL-TECTA (TBCEL-TECTA readthrough; plus strand). Cytogenetic location: 11q23.3.
Variant type: single nucleotide variant.
Coding change: c.436A>T on transcript NM_001363644.2 (MANE Select); coding-DNA position 436, A replaced by T.
Protein change: p.Ile146Leu; replaces isoleucine 146 with leucine.
Molecular consequence: missense variant.
Genome position (GRCh38, 1-based): chr11:121,053,713, A>T. VCF-style: chr11-121053713-A-T. GRCh37 (hg19) VCF-style: chr11-120924422-A-T.
Other names: c.436A>T, p.Ile146Leu (NM_001378761.1, NM_001130047.3, NM_152715.5); short protein forms I146L.
Identifiers: ClinVar variation 3035273 (VCV003035273.2), dbSNP rs78944388, ClinGen allele CA6326204.
Genomic context (GRCh38, chr11:121,053,713, plus strand): 5'-TCTGGGGTTCGCAAACTTGTCCTCAACAACAGCAAAGCTTCTTGGGAGACGGTCCACATG[A>T]TACTACAGGAGTTACCAGAGTAAGCCCAGAGAGCATGAGGGCGAGGGAGTTATGTTGCCA-3'
Protein context (NP_001350573.1, residues 136-156): SKASWETVHM[Ile146Leu]LQELPDLEEL

ClinVar aggregate classification (germline): Likely benign (0 of 4 stars; one submission).

Conditions:
TBCEL-related disorder. Also called: TBCEL-related condition.

Allele frequency attached by ClinVar (database versions not stated): ExAC 0.00055; ESP Exome Variant Server 0.00146; gnomAD 0.00151; 1000 Genomes Project 30x 0.00187; 1000 Genomes Project 0.00200.
gnomAD v4.1: 523 of 1,611,914 alleles (0.032%); highest among the groups gnomAD compares: African/African-American, 0.5%; 1 homozygote.

Submission:

PreventionGenetics, part of Exact Sciences
Classification: Likely benign for TBCEL-related condition. Last evaluated: 2022-11-11. Review status: no assertion criteria provided. Collection method: clinical testing. Allele origin: germline.
Comment: This variant is classified as likely benign based on ACMG/AMP sequence variant interpretation guidelines (Richards et al. 2015 PMID: 25741868, with internal and published modifications).